The following is an entry in ClinVar:

ClinVar aggregate classification (germline): Uncertain significance (1 of 4 stars; one submission).

Submission:

GeneDx
Classification: Uncertain significance. Last evaluated: 2025-05-21. Review status: criteria provided, single submitter. Criteria: GeneDx Variant Classification Process June 2021. Collection method: clinical testing. Allele origin: germline. Affected: yes.
Comment: Not observed at significant frequency in large population cohorts (gnomAD); In silico analysis supports that this missense variant has a deleterious effect on protein structure/function; Has not been previously published as pathogenic or benign to our knowledge

NM_001846.4(COL4A2):c.4987G>C (p.Gly1663Arg)

Gene: COL4A2 (collagen type IV alpha 2 chain; plus strand). Cytogenetic location: 13q34.
Variant type: single nucleotide variant.
Coding change: c.4987G>C on transcript NM_001846.4 (MANE Select); coding-DNA position 4987, G replaced by C.
Protein change: p.Gly1663Arg; replaces glycine 1663 with arginine.
Molecular consequence: missense variant.
Genome position (GRCh38, 1-based): chr13:110,512,039, G>C. VCF-style: chr13-110512039-G-C. GRCh37 (hg19) VCF-style: chr13-111164386-G-C.
Other names: short protein forms G1663R.
Identifiers: ClinVar variation 4531133 (VCV004531133.1).